The following is an entry in ClinVar:

ClinVar aggregate classification (germline): Uncertain significance (1 of 4 stars; one submission).

Submission:

GeneDx
Classification: Uncertain significance. Last evaluated: 2024-07-17. Review status: criteria provided, single submitter. Criteria: GeneDx Variant Classification Process June 2021. Collection method: clinical testing. Allele origin: germline. Affected: yes.
Comment: Not observed at significant frequency in large population cohorts (gnomAD); In silico analysis supports that this missense variant has a deleterious effect on protein structure/function; Has not been previously published as pathogenic or benign to our knowledge

NM_001127222.2(CACNA1A):c.3566C>G (p.Ala1189Gly)

Gene: CACNA1A (calcium voltage-gated channel subunit alpha1 A; minus strand). Cytogenetic location: 19p13.13.
Variant type: single nucleotide variant.
Coding change: c.3566C>G on transcript NM_001127222.2 (MANE Select); coding-DNA position 3566, C replaced by G.
Protein change: p.Ala1189Gly; replaces alanine 1189 with glycine.
Molecular consequence: missense variant.
Genome position (GRCh38, 1-based): chr19:13,285,194, G>C on the plus strand (C>G on the coding strand, the complement: CACNA1A is on the minus strand). VCF-style: chr19-13285194-G-C. GRCh37 (hg19) VCF-style: chr19-13396008-G-C.
Other names: c.3578C>G, p.Ala1193Gly (NM_000068.4, NM_023035.3); c.3569C>G, p.Ala1190Gly (NM_001127221.2, NM_001174080.2); short protein forms A1189G, A1190G, A1193G.
Identifiers: ClinVar variation 3573858 (VCV003573858.1).